The following is an entry in ClinVar:

ClinVar aggregate classification (germline): Uncertain significance (1 of 4 stars; one submission).

Allele frequency attached by ClinVar (database versions not stated): TOPMed below 0.00001.

Submission:

Ambry Genetics
Classification: Uncertain significance. Last evaluated: 2022-05-07. Review status: criteria provided, single submitter. Criteria: Ambry Variant Classification Scheme 2023. Collection method: clinical testing. Allele origin: germline.
Comment: The p.P271R variant (also known as c.812C>G), located in coding exon 3 of the TERF2IP gene, results from a C to G substitution at nucleotide position 812. The proline at codon 271 is replaced by arginine, an amino acid with dissimilar properties. This amino acid position is conserved. In addition, this alteration is predicted to be tolerated by in silico analysis. Since supporting evidence is limited at this time, the clinical significance of this alteration remains unclear.

NM_018975.4(TERF2IP):c.812C>G (p.Pro271Arg)

Gene: TERF2IP (TERF2 interacting protein; plus strand). Cytogenetic location: 16q23.1.
Variant type: single nucleotide variant.
Coding change: c.812C>G on transcript NM_018975.4 (MANE Select); coding-DNA position 812, C replaced by G.
Protein change: p.Pro271Arg; replaces proline 271 with arginine.
Molecular consequence: missense variant. On other transcripts: non-coding transcript variant (1).
Genome position (GRCh38, 1-based): chr16:75,656,223, C>G. VCF-style: chr16-75656223-C-G. GRCh37 (hg19) VCF-style: chr16-75690121-C-G.
Other names: short protein forms P271R.
Identifiers: ClinVar variation 1762115 (VCV001762115.2), dbSNP rs2082384375, ClinGen allele CA396819631.
Genomic context (GRCh38, chr16:75,656,223, plus strand): 5'-AGACTTGGTGATTAGGAGCTGGTTTTACTCATCATTCTGTCTAGGTGGATGAGAGCCCTC[C>G]TGATTTTGAAATACATATAACTATGTGTGATGATGATCCACCCACACCTGAGGAAGACTC-3'
Protein context (NP_061848.2, residues 261-281): FEEVVVDESP[Pro271Arg]DFEIHITMCD